The following is an entry in ClinVar:

NM_001105528.4(CCDC178):c.1587G>A (p.Lys529=)

Gene: CCDC178 (coiled-coil domain containing 178; minus strand). Cytogenetic location: 18q12.1.
Variant type: single nucleotide variant.
Coding change: c.1587G>A on transcript NM_001105528.4 (MANE Select); coding-DNA position 1587, G replaced by A.
Protein change: p.Lys529=; no amino-acid change (lysine 529 retained).
Molecular consequence: synonymous variant.
Genome position (GRCh38, 1-based): chr18:33,245,251, C>T on the plus strand (G>A on the coding strand, the complement: CCDC178 is on the minus strand). VCF-style: chr18-33245251-C-T. GRCh37 (hg19) VCF-style: chr18-30825215-C-T.
Other names: c.1587G>A, p.Lys529= (NM_001308126.3, NM_001371120.1, NM_001371121.1 and 1 more transcripts).
Identifiers: ClinVar variation 2648635 (VCV002648635.24), dbSNP rs117054944, ClinGen allele CA8932881.

ClinVar aggregate classification (germline): Likely benign (1 of 4 stars; one submission).

Allele frequency attached by ClinVar (database versions not stated): 1000 Genomes Project 30x 0.00094; 1000 Genomes Project 0.00120; ExAC 0.00260; gnomAD 0.00270; TOPMed 0.00277; ESP Exome Variant Server 0.00308.
gnomAD v4.1: 6,039 of 1,579,212 alleles (0.38%); highest among the groups gnomAD compares: Non-Finnish European, 0.43%; 23 homozygotes.

Submission:

CeGaT Center for Human Genetics Tuebingen
Classification: Likely benign. Last evaluated: 2022-11-01. Review status: criteria provided, single submitter. Criteria: CeGaT Center For Human Genetics Tuebingen Variant Classification Criteria Version 2. Collection method: clinical testing. Allele origin: germline. Affected: yes. Observed: 1 variant allele.
Comment: CCDC178: BP4, BP7, BS2